The following is an entry in ClinVar:

ClinVar aggregate classification (germline): Uncertain significance (3 of 4 stars; one submission).

Conditions:
Mitochondrial disease. Also called: Mitochondrial disorder; Mitochondrial disorders. Identifiers: Orphanet 68380, MedGen C0751651, MeSH D028361, MONDO:0044970.

Submission:

ClinGen Mitochondrial Disease Nuclear and Mitochondrial  Variant Curation Expert Panel, ClinGen
Classification: Uncertain significance for Mitochondrial disease. Last evaluated: 2022-08-23. Review status: reviewed by expert panel. Criteria: clingen mito disease acmg specifications v1-1. Collection method: curation. Allele origin: germline. Inheritance: Mitochondrial inheritance.
Comment: The m.3280A>G variant in MT-TL1 has been reported in three unrelated individuals with primary mitochondrial disease. Although there was limited clinical information on some these cases and haplogroups were not provided, the reported cases had similar features and consistent enzymology. The three reported individuals had variable ages of onset, with 1/3 presenting in childhood and 2/3 presenting in their mid-30s. Features included myopathy and ataxia. Heteroplasmy levels were not specified in one individual but the variant was present at 75% in muscle and 23% in blood in one individual and homoplasmic in the other (PS4_supporting; PMIDs: 11335700, 12402350, 12798797). There is one report of this variant segregating with disease features as a healthy mother of a proband had the variant present at 15% in blood (PMID: 12798797), however this does not meet criteria to apply PP1_supporting (at least two segregations). Another reported case had a daughter with similar muscle concerns, however there was no mention of testing for the variant in this family member (PMID: 11335700). There are no reported de novo occurrences of this variant to our knowledge. This variant is absent in the GenBank dataset, Helix dataset, and gnomAD v3.1.2 (PM2_supporting). Single fiber testing showed higher levels of the variant in ragged red fibers (78.6 ± 11%; n = 9) than in non-ragged red fibers (10.9 ± 15.9%, n = 9; P < 0:001; PS3_supporting, PMID: 12798797). The computational predictor MitoTIP suggests this variant is pathogenic (82.9 percentile) and HmtVAR predicts it to be pathogenic score of 0.8 (PP3). In summary, this variant meets criteria to be classified as uncertain significance for primary mitochondrial disease inherited in a mitochondrial manner. This classification was approved by the NICHD/NINDS U24 Mitochondrial Disease Variant Curation Expert Panel on August 23, 2022. Mitochondrial DNA-specific ACMG/AMP criteria applied: PM2_supporting, PP3, PS4_supporting, PS3_supporting.

Literature cited by the submitters: PubMed 12798797.

NC_012920.1(MT-TL1):m.3280A>G

Gene: MT-TL1 (mitochondrially encoded tRNA leucine 1 (UUA/G); plus strand).
Variant type: single nucleotide variant.
Genome position: chrM-3280-A-G.
Identifiers: ClinVar variation 986458 (VCV000986458.1), dbSNP rs2521952329, ClinGen allele CA658682658.
Genomic context (GRCh38, chrMT:3,280, plus strand): 5'-AACAGGGTTTGTTAAGATGGCAGAGCCCGGTAATCGCATAAAACTTAAAACTTTACAGTC[A>G]GAGGTTCAATTCCTCTTCTTAACAACATACCCATGGCCAACCTCCTACTCCTCATTGTAC-3'